The following is an entry in ClinVar:

NM_001710.6(CFB):c.346C>T (p.Pro116Ser)

Gene: CFB (complement factor B; plus strand). Cytogenetic location: 6p21.33.
Variant type: single nucleotide variant.
Coding change: c.346C>T on transcript NM_001710.6 (MANE Select); coding-DNA position 346, C replaced by T.
Protein change: p.Pro116Ser; replaces proline 116 with serine.
Molecular consequence: missense variant.
Genome position (GRCh38, 1-based): chr6:31,947,054, C>T. VCF-style: chr6-31947054-C-T. GRCh37 (hg19) VCF-style: chr6-31914831-C-T.
Other names: short protein forms P116S.
Identifiers: ClinVar variation 1483543 (VCV001483543.6), dbSNP rs1196164176, ClinGen allele CA363390727.

ClinVar aggregate classification (germline): Uncertain significance (1 of 4 stars; one submission).

Allele frequency attached by ClinVar (database versions not stated): gnomAD 0.00001 and 0.00002; gnomAD exomes 0.00001.
gnomAD v4.1: 6 of 1,612,890 alleles (0.00037%); highest among the groups gnomAD compares: African/African-American, 0.0027%; no homozygotes.

Submission:

Labcorp Genetics (formerly Invitae), Labcorp
Classification: Uncertain significance. Last evaluated: 2024-11-24. Review status: criteria provided, single submitter. Criteria: Invitae Variant Classification Sherloc (09022015). Collection method: clinical testing. Allele origin: germline.
Comment: This sequence change replaces proline, which is neutral and non-polar, with serine, which is neutral and polar, at codon 116 of the CFB protein (p.Pro116Ser). This variant is present in population databases (no rsID available, gnomAD 0.004%). This variant has not been reported in the literature in individuals affected with CFB-related conditions. ClinVar contains an entry for this variant (Variation ID: 1483543). Invitae Evidence Modeling of protein sequence and biophysical properties (such as structural, functional, and spatial information, amino acid conservation, physicochemical variation, residue mobility, and thermodynamic stability) indicates that this missense variant is expected to disrupt CFB protein function with a positive predictive value of 80%. In summary, the available evidence is currently insufficient to determine the role of this variant in disease. Therefore, it has been classified as a Variant of Uncertain Significance.